The following is an entry in ClinVar:

NM_138477.4(CDAN1):c.2285T>C (p.Leu762Ser)

Gene: CDAN1 (codanin 1; minus strand). Cytogenetic location: 15q15.2.
Variant type: single nucleotide variant.
Coding change: c.2285T>C on transcript NM_138477.4 (MANE Select); coding-DNA position 2285, T replaced by C.
Protein change: p.Leu762Ser; replaces leucine 762 with serine.
Molecular consequence: missense variant.
Genome position (GRCh38, 1-based): chr15:42,729,863, A>G on the plus strand (T>C on the coding strand, the complement: CDAN1 is on the minus strand). VCF-style: chr15-42729863-A-G. GRCh37 (hg19) VCF-style: chr15-43022061-A-G.
Other names: short protein forms L762S.
Identifiers: ClinVar variation 2443473 (VCV002443473.7), dbSNP rs141931755, ClinGen allele CA7515728.
Genomic context (GRCh38, chr15:42,729,863, plus strand): 5'-TGCTCTGGGGCTACTGTGTCCACCTCAAAGGCATATGAGGGACCCTCTTCCAGAAAGAAC[A>G]AGTCCTCAGGGACTGTGGGAATCTGGCAAGACAGTCACAATTCAGGTCAACTTCAGAGAC-3'
Protein context (NP_612486.2, residues 752-772): LFQIPTVPED[Leu762Ser]FFLEEGPSYA

ClinVar aggregate classification (germline): Uncertain significance. Review status: criteria provided, multiple submitters, no conflicts (2 of 4 stars). 4 submissions from 4 submitters: Uncertain significance (3). 1 of the submissions does not count toward it. Last evaluated 2025-09-10.

Conditions:
Inborn genetic diseases. Identifiers: MedGen C0950123, MeSH D030342.
CDAN1-related disorder. Also called: CDAN1-related condition.
Anemia, congenital dyserythropoietic, type 1a (CDAN1A). Also called: DYSERYTHROPOIETIC ANEMIA, CONGENITAL, TYPE Ia; CDAN1-Related Congenital Dyserythropoietic Anemia. Identifiers: MedGen C5574667, MONDO:0009135, OMIM 224120.

Allele frequency attached by ClinVar (database versions not stated): gnomAD exomes 0.00004; ExAC 0.00013; 1000 Genomes Project 30x 0.00016; 1000 Genomes Project 0.00020; gnomAD 0.00047; TOPMed 0.00047; ESP Exome Variant Server 0.00069.

Submissions (4):

Ambry Genetics
Classification: Uncertain significance for Inborn genetic diseases. Last evaluated: 2025-09-10. Review status: criteria provided, single submitter. Criteria: Ambry Variant Classification Scheme 2023. Collection method: clinical testing. Allele origin: germline.

Revvity Omics, Revvity
Classification: Uncertain significance for Anemia, congenital dyserythropoietic, type 1a. Last evaluated: 2023-03-20. Review status: criteria provided, single submitter. Criteria: ACMG Guidelines, 2015. Collection method: clinical testing. Allele origin: germline.

GeneDx
Classification: Uncertain significance. Last evaluated: 2022-09-08. Review status: criteria provided, single submitter. Criteria: GeneDx Variant Classification Process June 2021. Collection method: clinical testing. Allele origin: germline. Affected: yes.
Comment: In silico analysis supports that this missense variant does not alter protein structure/function; Has not been previously published as pathogenic or benign to our knowledge

PreventionGenetics, part of Exact Sciences
Classification: Likely benign for CDAN1-related condition. Last evaluated: 2024-06-12. Review status: no assertion criteria provided. Collection method: clinical testing. Allele origin: germline. Not counted in ClinVar's aggregate classification.
Comment: This variant is classified as likely benign based on ACMG/AMP sequence variant interpretation guidelines (Richards et al. 2015 PMID: 25741868, with internal and published modifications).